The following is an entry in ClinVar:

NM_001079872.2(CUL4B):c.2161-15T>G

Gene: CUL4B (cullin 4B; minus strand). Cytogenetic location: Xq24.
Variant type: single nucleotide variant.
Coding change: c.2161-15T>G on transcript NM_001079872.2 (MANE Select); 15 bases into the intron before coding-DNA position 2161, T replaced by G.
Molecular consequence: intron variant.
Genome position (GRCh38, 1-based): chrX:120,534,601, A>C on the plus strand (T>G on the coding strand, the complement: CUL4B is on the minus strand). VCF-style: chrX-120534601-A-C. GRCh37 (hg19) VCF-style: chrX-119668456-A-C.
Other names: c.2215-15T>G (NM_003588.4); c.2176-15T>G (NM_001330624.2); c.1627-15T>G (NM_001369145.1).
Identifiers: ClinVar variation 382561 (VCV000382561.11), dbSNP rs183114462, ClinGen allele CA10505434.

ClinVar aggregate classification (germline): Benign/Likely benign. Review status: criteria provided, multiple submitters, no conflicts (2 of 4 stars). 3 submissions from 3 submitters: Benign (2); Likely benign (1). Last evaluated 2026-01-04.

Conditions:
X-linked intellectual disability Cabezas type (MRXSC). Also called: CABEZAS SYNDROME; Intellectual developmental disorder, X-linked syndromic, Cabezas type; MENTAL RETARDATION, X-LINKED, SYNDROMIC 15. Identifiers: Orphanet 85289, Orphanet 85293, MedGen C1845861, MONDO:0010306, OMIM 300354.

Allele frequency attached by ClinVar (database versions not stated): gnomAD 0.00333 and 0.00355; ESP Exome Variant Server 0.00322; ExAC 0.00099; 1000 Genomes Project 30x 0.00229; TOPMed 0.00348; 1000 Genomes Project 0.00212.
gnomAD v4.1: 726 of 1,085,406 alleles (0.067%); highest among the groups gnomAD compares: African/African-American, 1.2%; 3 homozygotes.

Submissions (4):

Labcorp Genetics (formerly Invitae), Labcorp
Classification: Benign for X-linked intellectual disability Cabezas type. Last evaluated: 2026-01-04. Review status: criteria provided, single submitter. Criteria: Invitae Variant Classification Sherloc (09022015). Collection method: clinical testing. Allele origin: germline.

Blueprint Genetics
Classification: Likely benign. Last evaluated: 2024-08-06. Review status: criteria provided, single submitter. Criteria: ACMG Guidelines, 2015. Collection method: clinical testing. Allele origin: germline.

GeneDx
Classification: Benign. Last evaluated: 2016-04-13. Review status: criteria provided, single submitter. Criteria: GeneDx Variant Classification (06012015). Collection method: clinical testing. Allele origin: germline. Affected: yes.
Comment: This variant is considered likely benign or benign based on one or more of the following criteria: it is a conservative change, it occurs at a poorly conserved position in the protein, it is predicted to be benign by multiple in silico algorithms, and/or has population frequency not consistent with disease.

Dr. Peter K. Rogan Lab, Western University
No classification provided (evidence only). Condition: Familial cancer of breast. Review status: no classification provided. Collection method: in vitro. Allele origin: not applicable. Functional consequence: retained intron. Not counted in ClinVar's aggregate classification.